The following is an entry in ClinVar:

NM_015466.4(PTPN23):c.3581_3584del (p.Val1194fs)

Gene: PTPN23 (protein tyrosine phosphatase non-receptor type 23; plus strand). Cytogenetic location: 3p21.31.
Variant type: Deletion.
Coding change: c.3581_3584del on transcript NM_015466.4 (MANE Select); coding-DNA positions 3581 to 3584, 4 bases deleted (TCTG; older notation c.3581_3584delTCTG).
Protein change: p.Val1194fs; shifts the reading frame from valine 1194.
Molecular consequence: frameshift variant.
Genome position (GRCh38, 1-based): chr3:47,411,379-47,411,382, TCTG deleted; deleting any 4 consecutive bases within chr3:47,411,376-47,411,382 gives the same sequence; the c. name uses the placement nearest the transcript's 3' end. VCF-style (leftmost placement, unchanged base first): chr3-47411375-ACTGT-A. GRCh37 (hg19) VCF-style: chr3-47452865-ACTGT-A.
Other names: c.3203_3206del, p.Val1068fs (NM_001304482.2); short protein forms V1068fs, V1194fs.
Identifiers: ClinVar variation 1676530 (VCV001676530.8), dbSNP rs760750644, ClinGen allele CA2366311.

ClinVar aggregate classification (germline): Pathogenic/Likely pathogenic. Review status: criteria provided, multiple submitters, no conflicts (2 of 4 stars). 2 submissions from 2 submitters: Pathogenic (1); Likely pathogenic (1). Last evaluated 2024-09-11.

Conditions:
Neurodevelopmental disorder and structural brain anomalies with or without seizures and spasticity. Identifiers: MedGen C5394423, MONDO:0030046, OMIM 618890.

Submissions (2):

Labcorp Genetics (formerly Invitae), Labcorp
Classification: Pathogenic. Last evaluated: 2024-09-11. Review status: criteria provided, single submitter. Criteria: Invitae Variant Classification Sherloc (09022015). Collection method: clinical testing. Allele origin: germline.
Comment: This sequence change creates a premature translational stop signal (p.Val1194Glyfs*25) in the PTPN23 gene. It is expected to result in an absent or disrupted protein product. Loss-of-function variants in PTPN23 are known to be pathogenic (PMID: 29090338, 29899372). This variant is present in population databases (rs760750644, gnomAD 0.01%). This variant has not been reported in the literature in individuals affected with PTPN23-related conditions. ClinVar contains an entry for this variant (Variation ID: 1676530). For these reasons, this variant has been classified as Pathogenic.

Greenwood Genetic Center Diagnostic Laboratories, Greenwood Genetic Center
Classification: Likely pathogenic for Neurodevelopmental disorder and structural brain anomalies with or without seizures and spasticity. Last evaluated: 2022-01-19. Review status: criteria provided, single submitter. Criteria: ACMG Guidelines, 2015. Collection method: clinical testing. Allele origin: germline. Affected: yes.
Comment: PVS1, PM2

Literature cited by the submitters: PubMed 29090338 (cited by Labcorp Genetics (formerly Invitae), Labcorp); PubMed 29899372 (cited by Labcorp Genetics (formerly Invitae), Labcorp).